The following is an entry in ClinVar:

ClinVar aggregate classification (germline): Pathogenic (1 of 4 stars; one submission).

Conditions:
KBG syndrome (KBGS). Also called: ANKRD11-Related KBG Syndrome. Identifiers: Orphanet 2332, MedGen C0220687, MONDO:0007846, OMIM 148050.

Submission:

Medical Cytogenetics and Molecular Genetics Laboratory, IRCCS Istituto Auxologico Italiano
Classification: Pathogenic for KBG syndrome. Last evaluated: 2021-11-01. Review status: criteria provided, single submitter. Criteria: ACMG/ClinGen CNV Guidelines, 2019. Collection method: research. Allele origin: de novo. Affected: yes. Observed: 1 variant allele.

NM_013275.6(ANKRD11):c.-145+88_-145+103del

Gene: ANKRD11 (ankyrin repeat domain 11; minus strand). Cytogenetic location: 16q24.3.
Variant type: Deletion.
Coding change: c.-145+88_-145+103del on transcript NM_013275.6 (MANE Select); bases 88 to 103 of the intron after 145 bases upstream of the start codon, 16 bases deleted (ACGGAGCTGCGCCGCG).
Molecular consequence: intron variant.
Genome position (GRCh38, 1-based): chr16:89,490,142-89,490,157, CGCGGCGCAGCTCCGT deleted on the plus strand (ACGGAGCTGCGCCGCG on the coding strand, the reverse complement: ANKRD11 is on the minus strand); deleting any 16 consecutive bases within chr16:89,490,142-89,490,160 gives the same sequence; the c. name uses the placement nearest the transcript's 3' end. VCF-style (leftmost placement, unchanged base first): chr16-89490141-CCGCGGCGCAGCTCCGT-C. GRCh37 (hg19) VCF-style: chr16-89556549-CCGCGGCGCAGCTCCGT-C.
Other names: c.-142+88_-142+103del (NM_001256183.2); c.-216+88_-216+103del (NM_001256182.2).
Identifiers: ClinVar variation 1341550 (VCV001341550.2), dbSNP rs2152388054, ClinGen allele CA2580092287.